The following is an entry in ClinVar:

NM_030787.4(CFHR5):c.205C>T (p.Arg69Cys)

Gene: CFHR5 (complement factor H related 5; plus strand). Cytogenetic location: 1q31.3.
Variant type: single nucleotide variant.
Coding change: c.205C>T on transcript NM_030787.4 (MANE Select); coding-DNA position 205, C replaced by T.
Protein change: p.Arg69Cys; replaces arginine 69 with cysteine.
Molecular consequence: missense variant.
Genome position (GRCh38, 1-based): chr1:196,983,031, C>T. VCF-style: chr1-196983031-C-T. GRCh37 (hg19) VCF-style: chr1-196952161-C-T.
Other names: short protein forms R69C.
Identifiers: ClinVar variation 2963451 (VCV002963451.4), dbSNP rs763857612, ClinGen allele CA1307648.

ClinVar aggregate classification (germline): Conflicting classifications of pathogenicity. Review status: criteria provided, conflicting classifications (1 of 4 stars). 2 submissions from 2 submitters: Uncertain significance (1); Likely benign (1). Last evaluated 2024-08-12.

Conditions:
Inborn genetic diseases. Identifiers: MedGen C0950123, MeSH D030342.

Submissions (2):

Ambry Genetics
Classification: Likely benign for Inborn genetic diseases. Last evaluated: 2024-08-12. Review status: criteria provided, single submitter. Criteria: Ambry Variant Classification Scheme 2023. Collection method: clinical testing. Allele origin: germline.

Labcorp Genetics (formerly Invitae), Labcorp
Classification: Uncertain significance. Last evaluated: 2023-12-27. Review status: criteria provided, single submitter. Criteria: Invitae Variant Classification Sherloc (09022015). Collection method: clinical testing. Allele origin: germline.
Comment: This sequence change replaces arginine, which is basic and polar, with cysteine, which is neutral and slightly polar, at codon 69 of the CFHR5 protein (p.Arg69Cys). This variant is present in population databases (rs763857612, gnomAD 0.04%). This variant has not been reported in the literature in individuals affected with CFHR5-related conditions. Advanced modeling of protein sequence and biophysical properties (such as structural, functional, and spatial information, amino acid conservation, physicochemical variation, residue mobility, and thermodynamic stability) performed at Invitae indicates that this missense variant is not expected to disrupt CFHR5 protein function with a negative predictive value of 80%. In summary, the available evidence is currently insufficient to determine the role of this variant in disease. Therefore, it has been classified as a Variant of Uncertain Significance.